The following is an entry in ClinVar:

ClinVar aggregate classification (germline): Uncertain significance. Review status: criteria provided, multiple submitters, no conflicts (2 of 4 stars). 3 submissions from 3 submitters: Uncertain significance (3). Last evaluated 2025-11-07.

Conditions:
Sitosterolemia 1. Identifiers: MedGen C2749759, MONDO:0020747, OMIM 210250.
Cardiovascular phenotype. Identifiers: MedGen CN230736.

Allele frequency attached by ClinVar (database versions not stated): TOPMed below 0.00001.
gnomAD v4.1: 1 of 1,614,152 alleles (0.000062%); no homozygotes.

Submissions (3):

Ambry Genetics
Classification: Uncertain significance for Cardiovascular phenotype. Last evaluated: 2025-11-07. Review status: criteria provided, single submitter. Criteria: Ambry Variant Classification Scheme 2023. Collection method: clinical testing. Allele origin: germline.
Comment: The p.K253E variant (also known as c.757A>G), located in coding exon 6 of the ABCG8 gene, results from an A to G substitution at nucleotide position 757. The lysine at codon 253 is replaced by glutamic acid, an amino acid with similar properties. This amino acid position is conserved. In addition, this alteration is predicted to be tolerated by in silico analysis. Since supporting evidence is limited at this time, the clinical significance of this alteration remains unclear.

Labcorp Genetics (formerly Invitae), Labcorp
Classification: Uncertain significance. Last evaluated: 2024-05-21. Review status: criteria provided, single submitter. Criteria: Invitae Variant Classification Sherloc (09022015). Collection method: clinical testing. Allele origin: germline.
Comment: This sequence change replaces lysine, which is basic and polar, with glutamic acid, which is acidic and polar, at codon 253 of the ABCG8 protein (p.Lys253Glu). This variant is not present in population databases (gnomAD no frequency). This variant has not been reported in the literature in individuals affected with ABCG8-related conditions. ClinVar contains an entry for this variant (Variation ID: 1759600). Advanced modeling of protein sequence and biophysical properties (such as structural, functional, and spatial information, amino acid conservation, physicochemical variation, residue mobility, and thermodynamic stability) performed at Invitae indicates that this missense variant is not expected to disrupt ABCG8 protein function with a negative predictive value of 80%. In summary, the available evidence is currently insufficient to determine the role of this variant in disease. Therefore, it has been classified as a Variant of Uncertain Significance.

Revvity Omics, Revvity
Classification: Uncertain significance for Sitosterolemia 1. Last evaluated: 2023-06-07. Review status: criteria provided, single submitter. Criteria: ACMG Guidelines, 2015. Collection method: clinical testing. Allele origin: germline.

NM_022437.3(ABCG8):c.757A>G (p.Lys253Glu)

Gene: ABCG8 (ATP binding cassette subfamily G member 8; plus strand). Cytogenetic location: 2p21.
Variant type: single nucleotide variant.
Coding change: c.757A>G on transcript NM_022437.3 (MANE Select); coding-DNA position 757, A replaced by G.
Protein change: p.Lys253Glu; replaces lysine 253 with glutamic acid.
Molecular consequence: missense variant.
Genome position (GRCh38, 1-based): chr2:43,852,661, A>G. VCF-style: chr2-43852661-A-G. GRCh37 (hg19) VCF-style: chr2-44079800-A-G.
Other names: c.757A>G, p.Lys253Glu (NM_001357321.2); short protein forms K253E.
Identifiers: ClinVar variation 1759600 (VCV001759600.6), dbSNP rs1668966284, ClinGen allele CA346666472.